The following is an entry in ClinVar:

NM_000245.4(MET):c.2407A>T (p.Thr803Ser)

Gene: MET (MET proto-oncogene, receptor tyrosine kinase; plus strand). Cytogenetic location: 7q31.2.
Variant type: single nucleotide variant.
Coding change: c.2407A>T on transcript NM_000245.4 (MANE Select); coding-DNA position 2407, A replaced by T.
Protein change: p.Thr803Ser; replaces threonine 803 with serine.
Molecular consequence: missense variant.
Genome position (GRCh38, 1-based): chr7:116,763,092, A>T. VCF-style: chr7-116763092-A-T. GRCh37 (hg19) VCF-style: chr7-116403146-A-T.
Other names: c.2461A>T, p.Thr821Ser (NM_001127500.3); c.2407A>T, p.Thr803Ser (NM_001324401.3); c.1117A>T, p.Thr373Ser (NM_001324402.2); short protein forms T821S, T373S, T803S.
Identifiers: ClinVar variation 4732964 (VCV004732964.1).

ClinVar aggregate classification (germline): Uncertain significance (1 of 4 stars; one submission).

Conditions:
Renal cell carcinoma. Identifiers: Orphanet 217071, MedGen C0007134, MeSH D002292, MONDO:0005086, HP:0005584.

Submission:

Labcorp Genetics (formerly Invitae), Labcorp
Classification: Uncertain significance for Renal cell carcinoma. Last evaluated: 2025-12-10. Review status: criteria provided, single submitter. Criteria: Invitae Variant Classification Sherloc (09022015). Collection method: clinical testing. Allele origin: germline.
Comment: This sequence change replaces threonine, which is neutral and polar, with serine, which is neutral and polar, at codon 821 of the MET protein (p.Thr821Ser). This variant is not present in population databases (gnomAD no frequency). This variant has not been reported in the literature in individuals affected with MET-related conditions. An algorithm developed to predict the effect of missense changes on protein structure and function (PolyPhen-2) suggests that this variant is likely to be disruptive. Algorithms developed to predict the effect of sequence changes on RNA splicing suggest that this variant may create or strengthen a splice site. In summary, the available evidence is currently insufficient to determine the role of this variant in disease. Therefore, it has been classified as a Variant of Uncertain Significance.